The following is an entry in ClinVar:

NM_031935.3(HMCN1):c.7773C>G (p.Ser2591Arg)

Gene: HMCN1 (hemicentin 1; plus strand). Cytogenetic location: 1q31.1.
Variant type: single nucleotide variant.
Coding change: c.7773C>G on transcript NM_031935.3 (MANE Select); coding-DNA position 7773, C replaced by G.
Protein change: p.Ser2591Arg; replaces serine 2591 with arginine.
Molecular consequence: missense variant.
Genome position (GRCh38, 1-based): chr1:186,067,901, C>G. VCF-style: chr1-186067901-C-G. GRCh37 (hg19) VCF-style: chr1-186037033-C-G.
Other names: short protein forms S2591R.
Identifiers: ClinVar variation 3016159 (VCV003016159.3), dbSNP rs147336135, ClinGen allele CA33461094.

ClinVar aggregate classification (germline): Uncertain significance (1 of 4 stars; one submission).

Allele frequency attached by ClinVar (database versions not stated): TOPMed below 0.00001; ESP Exome Variant Server 0.00008.

Submission:

Labcorp Genetics (formerly Invitae), Labcorp
Classification: Uncertain significance. Last evaluated: 2023-11-24. Review status: criteria provided, single submitter. Criteria: Invitae Variant Classification Sherloc (09022015). Collection method: clinical testing. Allele origin: germline.
Comment: This sequence change replaces serine, which is neutral and polar, with arginine, which is basic and polar, at codon 2591 of the HMCN1 protein (p.Ser2591Arg). This variant is not present in population databases (gnomAD no frequency). This variant has not been reported in the literature in individuals affected with HMCN1-related conditions. An algorithm developed to predict the effect of missense changes on protein structure and function (PolyPhen-2) suggests that this variant is likely to be disruptive. In summary, the available evidence is currently insufficient to determine the role of this variant in disease. Therefore, it has been classified as a Variant of Uncertain Significance.